The following is an entry in ClinVar:

NM_002206.3(ITGA7):c.3316_3325del (p.Ser1106fs)

Gene: ITGA7 (integrin subunit alpha 7; minus strand). Cytogenetic location: 12q13.2.
Variant type: Deletion.
Coding change: c.3316_3325del on transcript NM_002206.3 (MANE Select); coding-DNA positions 3316 to 3325, 10 bases deleted (AGCCCCCGGC; older notation c.3316_3325delAGCCCCCGGC).
Protein change: p.Ser1106fs; shifts the reading frame from serine 1106.
Molecular consequence: frameshift variant.
Genome position (GRCh38, 1-based): chr12:55,685,147-55,685,156, GCCGGGGGCT deleted on the plus strand (AGCCCCCGGC on the coding strand, the reverse complement: ITGA7 is on the minus strand); deleting any 10 consecutive bases within chr12:55,685,147-55,685,159 gives the same sequence; the c. name uses the placement nearest the transcript's 3' end. VCF-style (leftmost placement, unchanged base first): chr12-55685146-CGCCGGGGGCT-C. GRCh37 (hg19) VCF-style: chr12-56078930-CGCCGGGGGCT-C.
Other names: c.3328_3337del, p.Ser1110fs (NM_001144996.2); c.3034_3043delGGCAGCCCCC, p.Ser1013Glyfs (NM_001144997.2); c.2989_2998del, p.Ser997fs (NM_001367993.1); c.1972_1981del, p.Ser658fs (NM_001367994.1); c.3298_3307del, p.Ser1100fs (NM_001374465.1); c.3445_3454delGGCAGCCCCC, p.Ser1150Glyfs (NM_001410977.1); c.3307_3316delGGCAGCCCCC, p.Ser1104Glyfs (NM_001414029.1); c.3238_3247delGGCAGCCCCC, p.Ser1081Glyfs (NM_001414030.1); and 5 more; short protein forms S1013fs, S1106fs, S1110fs, S658fs, S1100fs, S997fs.
Identifiers: ClinVar variation 1421139 (VCV001421139.6), dbSNP rs2135930888, ClinGen allele CA2573148790.

ClinVar aggregate classification (germline): Uncertain significance (1 of 4 stars; one submission).

Conditions:
Congenital muscular dystrophy due to integrin alpha-7 deficiency. Also called: Congenital muscular dystrophy with integrin alpha-7 deficiency; Muscular dystrophy, congenital, due to ITGA7 deficiency; MYOPATHY, CONGENITAL, DUE TO INTEGRIN ALPHA-7 DEFICIENCY. Identifiers: Orphanet 34520, MedGen C2750786, MONDO:0013177, OMIM 613204.

Submission:

Labcorp Genetics (formerly Invitae), Labcorp
Classification: Uncertain significance for Congenital muscular dystrophy due to integrin alpha-7 deficiency. Last evaluated: 2021-10-14. Review status: criteria provided, single submitter. Criteria: Invitae Variant Classification Sherloc (09022015). Collection method: clinical testing. Allele origin: germline.
Comment: This sequence change results in a frameshift in the ITGA7 gene (p.Ser1106Glyfs*114). While this is not anticipated to result in nonsense mediated decay, it is expected to disrupt the last 32 amino acid(s) of the ITGA7 protein and extend the protein by 81 additional amino acid residues. This variant is not present in population databases (ExAC no frequency). This variant has not been reported in the literature in individuals affected with ITGA7-related conditions. Experimental studies and prediction algorithms are not available or were not evaluated, and the functional significance of this variant is currently unknown. In summary, the available evidence is currently insufficient to determine the role of this variant in disease. Therefore, it has been classified as a Variant of Uncertain Significance.